The following is an entry in ClinVar:

ClinVar aggregate classification (germline): Uncertain significance. Review status: criteria provided, multiple submitters, no conflicts (2 of 4 stars). 2 submissions from 2 submitters: Uncertain significance (2). Last evaluated 2022-09-06.

Conditions:
Spondylometaphyseal dysplasia-cone-rod dystrophy syndrome. Identifiers: Orphanet 85167, MedGen C1837073, MONDO:0012160, OMIM 608940.

Allele frequency attached by ClinVar (database versions not stated): gnomAD 0.00001; TOPMed 0.00001.
gnomAD v4.1: 12 of 1,612,988 alleles (0.00074%); highest among the groups gnomAD compares: Non-Finnish European, 0.00093%; no homozygotes.

Submissions (2):

Labcorp Genetics (formerly Invitae), Labcorp
Classification: Uncertain significance. Last evaluated: 2022-09-06. Review status: criteria provided, single submitter. Criteria: Invitae Variant Classification Sherloc (09022015). Collection method: clinical testing. Allele origin: germline.
Comment: This variant is not present in population databases (gnomAD no frequency). In summary, the available evidence is currently insufficient to determine the role of this variant in disease. Therefore, it has been classified as a Variant of Uncertain Significance. Advanced modeling of protein sequence and biophysical properties (such as structural, functional, and spatial information, amino acid conservation, physicochemical variation, residue mobility, and thermodynamic stability) performed at Invitae indicates that this missense variant is not expected to disrupt PCYT1A protein function. ClinVar contains an entry for this variant (Variation ID: 1426118). This variant has not been reported in the literature in individuals affected with PCYT1A-related conditions. This sequence change replaces valine, which is neutral and non-polar, with isoleucine, which is neutral and non-polar, at codon 30 of the PCYT1A protein (p.Val30Ile).

Fulgent Genetics
Classification: Uncertain significance for Spondylometaphyseal dysplasia-cone-rod dystrophy syndrome. Last evaluated: 2021-12-21. Review status: criteria provided, single submitter. Criteria: ACMG Guidelines, 2015. Collection method: clinical testing. Allele origin: unknown.

NM_001312673.2(PCYT1A):c.88G>A (p.Val30Ile)

Gene: PCYT1A (phosphate cytidylyltransferase 1A, choline; minus strand). Cytogenetic location: 3q29.
Variant type: single nucleotide variant.
Coding change: c.88G>A on transcript NM_001312673.2 (MANE Select); coding-DNA position 88, G replaced by A.
Protein change: p.Val30Ile; replaces valine 30 with isoleucine.
Molecular consequence: missense variant.
Genome position (GRCh38, 1-based): chr3:196,270,444, C>T on the plus strand (G>A on the coding strand, the complement: PCYT1A is on the minus strand). VCF-style: chr3-196270444-C-T. GRCh37 (hg19) VCF-style: chr3-195997315-C-T.
Other names: c.88G>A, p.Val30Ile (NM_005017.4); short protein forms V30I.
Identifiers: ClinVar variation 1426118 (VCV001426118.9), dbSNP rs749118491, ClinGen allele CA355593606.
Genomic context (GRCh38, chr3:196,270,444, plus strand): 5'-CCCTCCCCCTGCCAGGTTAATCTCCACTTACCACTGCACAGCGCTGCACTTTGGAAGGAA[C>T]CCCATCTTCTTCTGTTGCCCCGTTGGGTCCGGGCGCCTCTTTTCTCCTCTTCCTTGCATT-3'
Protein context (NP_001299602.1, residues 20-40): GPNGATEEDG[Val30Ile]PSKVQRCAVG